The following is an entry in ClinVar:

NM_001164508.2(NEB):c.12194T>G (p.Leu4065Ter)

Gene: NEB (nebulin; minus strand). Cytogenetic location: 2q23.3.
Variant type: single nucleotide variant.
Coding change: c.12194T>G on transcript NM_001164508.2 (MANE Select); coding-DNA position 12194, T replaced by G.
Protein change: p.Leu4065Ter; replaces leucine 4065 with a stop codon.
Molecular consequence: nonsense.
Genome position (GRCh38, 1-based): chr2:151,609,945, A>C on the plus strand (T>G on the coding strand, the complement: NEB is on the minus strand). VCF-style: chr2-151609945-A-C. GRCh37 (hg19) VCF-style: chr2-152466459-A-C.
Other names: c.12194T>G, p.Leu4065Ter (NM_001164507.2, NM_001271208.2); c.11465T>G, p.Leu3822Ter (NM_004543.5); short protein forms L3822*, L4065*.
Identifiers: ClinVar variation 4852164 (VCV004852164.1).

ClinVar aggregate classification (germline): Pathogenic (1 of 4 stars; one submission).

Conditions:
Arthrogryposis multiplex congenita 6. Identifiers: MedGen C5543431, MONDO:0030281, OMIM 619334.

Submission:

Variantyx, Inc.
Classification: Pathogenic for Arthrogryposis multiplex congenita 6. Last evaluated: 2025-06-07. Review status: criteria provided, single submitter. Criteria: Variantyx Assertion Criteria 2022. Collection method: clinical testing. Allele origin: de novo. Inheritance: Autosomal recessive inheritance. Affected: yes.
Comment: This is a nonsense variant in the NEB gene (OMIM: 161650). Pathogenic variants in this gene have been associated with autosomal recessive arthrogryposis multiplex congenita 6. The alteration introduces a premature termination codon in exon 81 out of 182 and is expected to result in loss of function, which is a known disease mechanism for NEB in this disorder (PMID:10051637) (PVS1). This variant is absent from control populations (PM2). Based on the current evidence, this variant is classified as pathogenic for autosomal recessive arthrogryposis multiplex congenita 6.

Literature cited by the submitters: PubMed 10051637.